The following is an entry in ClinVar:

NM_020949.3(SLC7A14):c.1996C>A (p.Leu666Met)

Genes: SLC7A14 (solute carrier family 7 member 14; minus strand), SLC7A14-AS1 (SLC7A14 antisense RNA 1; plus strand). Cytogenetic location: 3q26.2.
Variant type: single nucleotide variant.
Coding change: c.1996C>A on transcript NM_020949.3 (MANE Select); coding-DNA position 1996, C replaced by A.
Protein change: p.Leu666Met; replaces leucine 666 with methionine.
Molecular consequence: missense variant. On other transcripts: non-coding transcript variant (3).
Genome position (GRCh38, 1-based): chr3:170,467,375, G>T on the plus strand (C>A on the coding strand, the complement: SLC7A14 is on the minus strand). VCF-style: chr3-170467375-G-T. GRCh37 (hg19) VCF-style: chr3-170185163-G-T.
Other names: short protein forms L666M.
Identifiers: ClinVar variation 1390122 (VCV001390122.6), dbSNP rs2108261871, ClinGen allele CA355484901.

ClinVar aggregate classification (germline): Uncertain significance (1 of 4 stars; one submission).

gnomAD v4.1: 2 of 1,580,532 alleles (0.00013%); highest among the groups gnomAD compares: Admixed American, 0.0018%; no homozygotes.

Submission:

Labcorp Genetics (formerly Invitae), Labcorp
Classification: Uncertain significance. Last evaluated: 2021-10-29. Review status: criteria provided, single submitter. Criteria: Invitae Variant Classification Sherloc (09022015). Collection method: clinical testing. Allele origin: germline.
Comment: In summary, the available evidence is currently insufficient to determine the role of this variant in disease. Therefore, it has been classified as a Variant of Uncertain Significance. Algorithms developed to predict the effect of missense changes on protein structure and function output the following: SIFT: "Tolerated"; PolyPhen-2: "Benign"; Align-GVGD: "Class C0". The methionine amino acid residue is found in multiple mammalian species, which suggests that this missense change does not adversely affect protein function. This variant has not been reported in the literature in individuals affected with SLC7A14-related conditions. This variant is not present in population databases (gnomAD no frequency). This sequence change replaces leucine, which is neutral and non-polar, with methionine, which is neutral and non-polar, at codon 666 of the SLC7A14 protein (p.Leu666Met).